The following is an entry in ClinVar:

NM_003504.5(CDC45):c.542+178T>C

Gene: CDC45 (cell division cycle 45; plus strand). Cytogenetic location: 22q11.21.
Variant type: single nucleotide variant.
Coding change: c.542+178T>C on transcript NM_003504.5 (MANE Select); 178 bases into the intron after coding-DNA position 542, T replaced by C.
Molecular consequence: intron variant. On other transcripts: missense variant (1).
Genome position (GRCh38, 1-based): chr22:19,494,560, T>C. VCF-style: chr22-19494560-T-C. GRCh37 (hg19) VCF-style: chr22-19482083-T-C.
Other names: c.596T>C, p.Phe199Ser (NM_001178010.2); c.506+178T>C (NM_001369291.1); c.404+178T>C (NM_001178011.2); short protein forms F199S.
Identifiers: ClinVar variation 1043824 (VCV001043824.8), dbSNP rs767213571, ClinGen allele CA10101105.

ClinVar aggregate classification (germline): Uncertain significance (1 of 4 stars; one submission).

Allele frequency attached by ClinVar (database versions not stated): gnomAD 0.00001; gnomAD exomes 0.00001; TOPMed 0.00002; ExAC 0.00006.
gnomAD v4.1: 2 of 1,549,816 alleles (0.00013%); highest among the groups gnomAD compares: African/African-American, 0.0027%; no homozygotes.

Submission:

Labcorp Genetics (formerly Invitae), Labcorp
Classification: Uncertain significance. Last evaluated: 2022-02-24. Review status: criteria provided, single submitter. Criteria: Invitae Variant Classification Sherloc (09022015). Collection method: clinical testing. Allele origin: germline.
Comment: ClinVar contains an entry for this variant (Variation ID: 1043824). This variant has not been reported in the literature in individuals affected with CDC45-related conditions. In summary, the available evidence is currently insufficient to determine the role of this variant in disease. Therefore, it has been classified as a Variant of Uncertain Significance. Algorithms developed to predict the effect of missense changes on protein structure and function output the following: SIFT: "Tolerated"; PolyPhen-2: "Benign"; Align-GVGD: "Class C0". The serine amino acid residue is found in multiple mammalian species, which suggests that this missense change does not adversely affect protein function. This variant is present in population databases (rs767213571, gnomAD 0.01%). This sequence change replaces phenylalanine, which is neutral and non-polar, with serine, which is neutral and polar, at codon 199 of the CDC45 protein (p.Phe199Ser).